The following is an entry in ClinVar:

ClinVar aggregate classification (germline): Uncertain significance (1 of 4 stars; one submission).

Submission:

Labcorp Genetics (formerly Invitae), Labcorp
Classification: Uncertain significance. Last evaluated: 2024-07-11. Review status: criteria provided, single submitter. Criteria: Invitae Variant Classification Sherloc (09022015). Collection method: clinical testing. Allele origin: germline.
Comment: This sequence change creates a premature translational stop signal (p.Ser1519Argfs*33) in the PTPN23 gene. While this is not anticipated to result in nonsense mediated decay, it is expected to disrupt the last 118 amino acid(s) of the PTPN23 protein. This variant is not present in population databases (gnomAD no frequency). This variant has not been reported in the literature in individuals affected with PTPN23-related conditions. This variant disrupts the C-terminus of the PTPN23 protein. Other variant(s) that disrupt this region (p.Leu1552Hisfs*33) have been observed in individuals with PTPN23-related conditions (PMID: 31395947). This suggests that this may be a clinically significant region of the protein. In summary, the available evidence is currently insufficient to determine the role of this variant in disease. Therefore, it has been classified as a Variant of Uncertain Significance.

Literature cited by the submitters: PubMed 31395947.

NM_015466.4(PTPN23):c.4557_4564del (p.Ser1519fs)

Gene: PTPN23 (protein tyrosine phosphatase non-receptor type 23; plus strand). Cytogenetic location: 3p21.31.
Variant type: Deletion.
Coding change: c.4557_4564del on transcript NM_015466.4 (MANE Select); coding-DNA positions 4557 to 4564, 8 bases deleted (CTTGCCAG; older notation c.4557_4564delCTTGCCAG).
Protein change: p.Ser1519fs; shifts the reading frame from serine 1519.
Molecular consequence: frameshift variant.
Genome position (GRCh38, 1-based): chr3:47,412,831-47,412,838, CTTGCCAG deleted; deleting any 8 consecutive bases within chr3:47,412,824-47,412,838 gives the same sequence; the c. name uses the placement nearest the transcript's 3' end. VCF-style (leftmost placement, unchanged base first): chr3-47412823-GTTGCCAGC-G. GRCh37 (hg19) VCF-style: chr3-47454313-GTTGCCAGC-G.
Other names: c.4179_4186del, p.Ser1393fs (NM_001304482.2); short protein forms S1393fs, S1519fs.
Identifiers: ClinVar variation 3647764 (VCV003647764.2).
Genomic context (GRCh38, chr3:47,412,823, plus strand): 5'-TCCATCCAGGCCACCATTGCCAAGCTCAGCATTCGGCCTCCTGGGGGGTTGGAGTCCCCG[GTTGCCAGC>G]TTGCCAGGCCCTGCAGAGCCCCCAGGCCTCCCGCCAGCCAGCCTCCCAGAGTCTACCCCA-3'